The following is an entry in ClinVar:

ClinVar aggregate classification (germline): Uncertain significance (1 of 4 stars; one submission).

gnomAD v4.1: 2 of 1,614,158 alleles (0.00012%); highest among the groups gnomAD compares: Non-Finnish European, 0.00017%; no homozygotes.

Submission:

Labcorp Genetics (formerly Invitae), Labcorp
Classification: Uncertain significance. Last evaluated: 2025-10-30. Review status: criteria provided, single submitter. Criteria: Invitae Variant Classification Sherloc (09022015). Collection method: clinical testing. Allele origin: germline.
Comment: This sequence change creates a premature translational stop signal (p.Lys874*) in the CTNNA1 gene. While this is not anticipated to result in nonsense mediated decay, it is expected to disrupt the last 33 amino acid(s) of the CTNNA1 protein. This variant is not present in population databases (gnomAD no frequency). This variant has not been reported in the literature in individuals affected with CTNNA1-related conditions. Experimental studies and prediction algorithms are not available or were not evaluated, and the functional significance of this variant is currently unknown. In summary, the available evidence is currently insufficient to determine the role of this variant in disease. Therefore, it has been classified as a Variant of Uncertain Significance.

NM_001903.5(CTNNA1):c.2620A>T (p.Lys874Ter)

Gene: CTNNA1 (catenin alpha 1; plus strand). Cytogenetic location: 5q31.2.
Variant type: single nucleotide variant.
Coding change: c.2620A>T on transcript NM_001903.5 (MANE Select); coding-DNA position 2620, A replaced by T.
Protein change: p.Lys874Ter; replaces lysine 874 with a stop codon.
Molecular consequence: nonsense. On other transcripts: 3 prime UTR variant (5).
Genome position (GRCh38, 1-based): chr5:138,933,988, A>T. VCF-style: chr5-138933988-A-T. GRCh37 (hg19) VCF-style: chr5-138269677-A-T.
Other names: c.*165A>T (NM_001290307.3, NM_001324002.1, NM_001324003.1 and 2 more transcripts); c.2311A>T, p.Lys771Ter (NM_001290309.3); c.2251A>T, p.Lys751Ter (NM_001290310.3); c.1510A>T, p.Lys504Ter (NM_001290312.1, NM_001323987.1, NM_001323988.1 and 12 more transcripts); c.2620A>T, p.Lys874Ter (NM_001323982.2, NM_001323983.1, NM_001323984.2); c.2593A>T, p.Lys865Ter (NM_001323985.2); c.2527A>T, p.Lys843Ter (NM_001323986.2); c.1375A>T, p.Lys459Ter (NM_001324001.1); and 3 more; short protein forms K391*, K504*, K843*, K751*, K771*, K473*, K423*, K459*.
Identifiers: ClinVar variation 4730232 (VCV004730232.1).